The following is an entry in ClinVar:

NM_000268.4(NF2):c.202A>G (p.Ile68Val)

Gene: NF2 (NF2, moesin-ezrin-radixin like (MERLIN) tumor suppressor; plus strand). Cytogenetic location: 22q12.2.
Variant type: single nucleotide variant.
Coding change: c.202A>G on transcript NM_000268.4 (MANE Select); coding-DNA position 202, A replaced by G.
Protein change: p.Ile68Val; replaces isoleucine 68 with valine.
Molecular consequence: missense variant. On other transcripts: non-coding transcript variant (1), intron variant (3).
Genome position (GRCh38, 1-based): chr22:29,636,838, A>G. VCF-style: chr22-29636838-A-G. GRCh37 (hg19) VCF-style: chr22-30032827-A-G.
Other names: c.88A>G, p.Ile30Val (NM_001407053.1, NM_001407056.1); c.202A>G, p.Ile68Val (NM_001407054.1, NM_001407057.1, NM_001407058.1 and 9 more transcripts); c.-439A>G (NM_001407065.1); c.-55A>G (NM_001407067.1); c.115-2252A>G (NM_181828.3); c.115-5364A>G (NM_181830.3, NM_181831.3); short protein forms I68V, I30V.
Identifiers: ClinVar variation 1784726 (VCV001784726.7), dbSNP rs778460074, ClinGen allele CA030947.
Genomic context (GRCh38, chr22:29,636,838, plus strand): 5'-GATTTGGTGTGCCGGACTCTGGGGCTCCGAGAAACCTGGTTCTTTGGACTGCAGTACACA[A>G]TCAAGGACACAGTGGCCTGGCTCAAAATGGACAAGAAGGTTGGGCTAGAACTCGATGAAA-3'
Protein context (NP_000259.1, residues 58-78): ETWFFGLQYT[Ile68Val]KDTVAWLKMD

ClinVar aggregate classification (germline): Uncertain significance. Review status: criteria provided, multiple submitters, no conflicts (2 of 4 stars). 3 submissions from 3 submitters: Uncertain significance (3). Last evaluated 2025-07-02.

Conditions:
Familial meningioma. Also called: Meningioma, familial, susceptibility to. Identifiers: Orphanet 263662, MedGen C3551915, MONDO:0011789, OMIM 607174.
Hereditary cancer-predisposing syndrome. Also called: Tumor predisposition; Neoplastic Syndromes, Hereditary; Hereditary Cancer Syndrome; Hereditary neoplastic syndrome. Identifiers: Orphanet 140162, MedGen C0027672, MeSH D009386, MONDO:0015356.
Neurofibromatosis, type 2 (SWNV). Also called: NF2-Related Schwannomatosis; SCHWANNOMATOSIS, VESTIBULAR; BILATERAL ACOUSTIC NEUROFIBROMATOSIS. Identifiers: Orphanet 637, MedGen C0027832, MONDO:0007039, OMIM 101000. Disease mechanism: loss of function.

Allele frequency attached by ClinVar (database versions not stated): gnomAD exomes below 0.00001; ExAC 0.00001.
gnomAD v4.1: 1 of 1,614,156 alleles (0.000062%); highest among the groups gnomAD compares: Admixed American, 0.0017%; no homozygotes.

Submissions (3):

Labcorp Genetics (formerly Invitae), Labcorp
Classification: Uncertain significance for Neurofibromatosis, type 2. Last evaluated: 2025-07-02. Review status: criteria provided, single submitter. Criteria: Invitae Variant Classification Sherloc (09022015). Collection method: clinical testing. Allele origin: germline.
Comment: This sequence change replaces isoleucine, which is neutral and non-polar, with valine, which is neutral and non-polar, at codon 68 of the NF2 protein (p.Ile68Val). This variant is present in population databases (rs778460074, gnomAD 0.003%). This variant has not been reported in the literature in individuals affected with NF2-related conditions. ClinVar contains an entry for this variant (Variation ID: 1784726). Invitae Evidence Modeling of protein sequence and biophysical properties (such as structural, functional, and spatial information, amino acid conservation, physicochemical variation, residue mobility, and thermodynamic stability) indicates that this missense variant is not expected to disrupt NF2 protein function with a negative predictive value of 80%. In summary, the available evidence is currently insufficient to determine the role of this variant in disease. Therefore, it has been classified as a Variant of Uncertain Significance.

Ambry Genetics
Classification: Uncertain significance for Hereditary cancer-predisposing syndrome. Last evaluated: 2024-09-02. Review status: criteria provided, single submitter. Criteria: Ambry Variant Classification Scheme 2023. Collection method: clinical testing. Allele origin: germline.
Comment: The p.I68V variant (also known as c.202A>G), located in coding exon 2 of the NF2 gene, results from an A to G substitution at nucleotide position 202. The isoleucine at codon 68 is replaced by valine, an amino acid with highly similar properties. This amino acid position is conserved. In addition, this alteration is predicted to be tolerated by in silico analysis. Since supporting evidence is limited at this time, the clinical significance of this alteration remains unclear.

Baylor Genetics
Classification: Uncertain significance for Familial meningioma. Last evaluated: 2023-08-30. Review status: criteria provided, single submitter. Criteria: ACMG Guidelines, 2015. Collection method: clinical testing. Allele origin: unknown.